The following is an entry in ClinVar:

NM_001846.4(COL4A2):c.3179C>T (p.Thr1060Met)

Gene: COL4A2 (collagen type IV alpha 2 chain; plus strand). Cytogenetic location: 13q34.
Variant type: single nucleotide variant.
Coding change: c.3179C>T on transcript NM_001846.4 (MANE Select); coding-DNA position 3179, C replaced by T.
Protein change: p.Thr1060Met; replaces threonine 1060 with methionine.
Molecular consequence: missense variant.
Genome position (GRCh38, 1-based): chr13:110,485,808, C>T. VCF-style: chr13-110485808-C-T. GRCh37 (hg19) VCF-style: chr13-111138155-C-T.
Other names: short protein forms T1060M.
Identifiers: ClinVar variation 977098 (VCV000977098.1), dbSNP rs372727377, ClinGen allele CA7050100.

ClinVar aggregate classification (germline): Uncertain significance (1 of 4 stars; one submission).

Conditions:
Brain small vessel disease 2A, autosomal dominant. Also called: Porencephaly 2. Identifiers: Orphanet 2940, Orphanet 99810, MedGen C3280970, MONDO:0013773, OMIM 614483.

Allele frequency attached by ClinVar (database versions not stated): gnomAD 0.00001; gnomAD exomes 0.00001 and 0.00002; TOPMed 0.00002; ExAC 0.00003; ESP Exome Variant Server 0.00008.
gnomAD v4.1: 11 of 1,613,602 alleles (0.00068%); highest among the groups gnomAD compares: African/African-American, 0.0053%; no homozygotes.

Submission:

Johns Hopkins Genomics, Johns Hopkins University
Classification: Uncertain significance for Brain small vessel disease 2A, autosomal dominant. Last evaluated: 2020-06-22. Review status: criteria provided, single submitter. Criteria: ACMG Guidelines, 2015. Collection method: clinical testing. Allele origin: germline.
Comment: This COL4A2 variant (rs372727377) is rare (<0.1%) in a large population dataset (gnomAD: 5/247368 total alleles; 0.002%; no homozygotes) and has not been reported previously in the literature to our knowledge. Three bioinformatic tools queried predict that p.Thr1060Met would be tolerated. The threonine residue at this position is weakly conserved across the species assessed and substitution to methionine occurs in at least four mammalian species. This variant is not predicted to affect normal exon 34 splicing, although this has not been confirmed experimentally to our knowledge. Due to insufficient evidence, we consider the clinical significance of c.3179C>T to be uncertain at this time.

Literature cited by the submitters: PubMed 22209246; PubMed 22209247.